The following is an entry in ClinVar:

ClinVar aggregate classification (germline): Uncertain significance. Review status: criteria provided, multiple submitters, no conflicts (2 of 4 stars). 2 submissions from 2 submitters: Uncertain significance (2). Last evaluated 2023-12-31.

Conditions:
Arrhythmogenic right ventricular cardiomyopathy (ARVD). Also called: Cardiomyopathy, ARVC; Arrhythmogenic right ventricular dysplasia; Arrhythmogenic cardiomyopathy; Arrhythmogenic Right Ventricular Cardiomyopathy (ARVC). Identifiers: Orphanet 247, MedGen C0349788, MeSH D019571, MONDO:0016587. Disease mechanism: loss of function. Inheritance: Various modes of inheritance.
Arrhythmogenic right ventricular dysplasia 9 (ARVD9). Also called: Arrhythmogenic Right Ventricular Dysplasia/Cardiomyopathy 9; ARRHYTHMOGENIC RIGHT VENTRICULAR DYSPLASIA, FAMILIAL, 9. Identifiers: MedGen C1836906, MONDO:0012180, OMIM 609040.

Allele frequency attached by ClinVar (database versions not stated): gnomAD exomes below 0.00001.
gnomAD v4.1: 3 of 1,613,980 alleles (0.00019%); highest among the groups gnomAD compares: Non-Finnish European, 0.00025%; no homozygotes.

Submissions (2):

Labcorp Genetics (formerly Invitae), Labcorp
Classification: Uncertain significance for Arrhythmogenic right ventricular dysplasia 9. Last evaluated: 2023-12-31. Review status: criteria provided, single submitter. Criteria: Invitae Variant Classification Sherloc (09022015). Collection method: clinical testing. Allele origin: germline.
Comment: This sequence change replaces isoleucine, which is neutral and non-polar, with valine, which is neutral and non-polar, at codon 802 of the PKP2 protein (p.Ile802Val). This variant is not present in population databases (gnomAD no frequency). This variant has not been reported in the literature in individuals affected with PKP2-related conditions. ClinVar contains an entry for this variant (Variation ID: 1015773). Algorithms developed to predict the effect of missense changes on protein structure and function output the following: SIFT: "Not Available"; PolyPhen-2: "Benign"; Align-GVGD: "Not Available". The valine amino acid residue is found in multiple mammalian species, which suggests that this missense change does not adversely affect protein function. In summary, the available evidence is currently insufficient to determine the role of this variant in disease. Therefore, it has been classified as a Variant of Uncertain Significance.

All of Us Research Program, National Institutes of Health
Classification: Uncertain significance for Arrhythmogenic right ventricular cardiomyopathy. Last evaluated: 2023-07-19. Review status: criteria provided, single submitter. Criteria: ACMG Guidelines, 2015. Collection method: clinical testing. Allele origin: germline. Inheritance: Autosomal dominant inheritance. Observed: 1 variant allele, 1 heterozygote.
Comment: This missense variant replaces isoleucine with valine at codon 802 of the PKP2 protein. Computational prediction suggests that this variant may not impact protein structure and function (internally defined REVEL score threshold <= 0.5, PMID: 27666373). To our knowledge, functional studies have not been reported for this variant. This variant has not been reported in individuals affected with PKP2-related disorders in the literature. This variant has not been identified in the general population by the Genome Aggregation Database (gnomAD). The available evidence is insufficient to determine the role of this variant in disease conclusively. Therefore, this variant is classified as a Variant of Uncertain Significance.

This study involves interpretation of variants in research participants for the purpose of population health screening. Participant phenotype was not available at the time of variant classification. Additional details can be found in publication PMID: 35346344, PMCID: PMC8962531

NM_001005242.3(PKP2):c.2272A>G (p.Ile758Val)

Gene: PKP2 (plakophilin 2; minus strand). Cytogenetic location: 12p11.21.
Variant type: single nucleotide variant.
Coding change: c.2272A>G on transcript NM_001005242.3 (MANE Select); coding-DNA position 2272, A replaced by G.
Protein change: p.Ile758Val; replaces isoleucine 758 with valine.
Molecular consequence: missense variant.
Genome position (GRCh38, 1-based): chr12:32,796,194, T>C on the plus strand (A>G on the coding strand, the complement: PKP2 is on the minus strand). VCF-style: chr12-32796194-T-C. GRCh37 (hg19) VCF-style: chr12-32949128-T-C.
Other names: c.2404A>G, p.Ile802Val (NM_004572.4); short protein forms I758V, I802V.
Identifiers: ClinVar variation 1015773 (VCV001015773.9), dbSNP rs1956121104, ClinGen allele CA384357759.